The following is an entry in ClinVar:

ClinVar aggregate classification (germline): Uncertain significance (1 of 4 stars; one submission).

Conditions:
Hereditary cancer-predisposing syndrome. Also called: Neoplastic Syndromes, Hereditary; Hereditary Cancer Syndrome; Hereditary neoplastic syndrome; Tumor predisposition. Identifiers: Orphanet 140162, MedGen C0027672, MeSH D009386, MONDO:0015356.

Submission:

Ambry Genetics
Classification: Uncertain significance for Hereditary cancer-predisposing syndrome. Last evaluated: 2023-04-19. Review status: criteria provided, single submitter. Criteria: Ambry Variant Classification Scheme 2023. Collection method: clinical testing. Allele origin: germline.
Comment: The p.E280D variant (also known as c.840G>C), located in coding exon 5 of the FLCN gene, results from a G to C substitution at nucleotide position 840. The glutamic acid at codon 280 is replaced by aspartic acid, an amino acid with highly similar properties. This amino acid position is conserved. In addition, the in silico prediction for this alteration is inconclusive. Since supporting evidence is limited at this time, the clinical significance of this alteration remains unclear.

NM_144997.7(FLCN):c.840G>C (p.Glu280Asp)

Gene: FLCN (folliculin; minus strand). Cytogenetic location: 17p11.2.
Variant type: single nucleotide variant.
Coding change: c.840G>C on transcript NM_144997.7 (MANE Select); coding-DNA position 840, G replaced by C.
Protein change: p.Glu280Asp; replaces glutamic acid 280 with aspartic acid.
Molecular consequence: missense variant.
Genome position (GRCh38, 1-based): chr17:17,221,568, C>G on the plus strand (G>C on the coding strand, the complement: FLCN is on the minus strand). VCF-style: chr17-17221568-C-G. GRCh37 (hg19) VCF-style: chr17-17124882-C-G.
Other names: c.894G>C, p.Glu298Asp (NM_001353229.2); c.840G>C, p.Glu280Asp (NM_001353230.2, NM_001353231.2, NM_144606.7); short protein forms E298D, E280D.
Identifiers: ClinVar variation 2566319 (VCV002566319.2), dbSNP rs1597599136, ClinGen allele CA398533680.